The following is an entry in ClinVar:

ClinVar aggregate classification (germline): Uncertain significance (1 of 4 stars; one submission).

Conditions:
PHRF1-related disorder. Also called: PHRF1-related condition.

Submission:

PreventionGenetics, part of Exact Sciences
Classification: Uncertain significance for PHRF1-related condition. Last evaluated: 2026-06-03. Review status: criteria provided, single submitter. Criteria: ACMG Guidelines, 2015. Collection method: clinical testing. Allele origin: germline.
Comment: The PHRF1 c.1219T>C variant is predicted to result in the amino acid substitution p.Cys407Arg. To our knowledge, this variant has not been reported in the literature. This variant is reported in 0.00089% of alleles in individuals of European (Non-Finnish) descent in gnomAD. At this time, the clinical significance of this variant is uncertain due to the absence of conclusive functional and genetic evidence.

NM_001286581.2(PHRF1):c.1219T>C (p.Cys407Arg)

Gene: PHRF1 (PHD and ring finger domains 1; plus strand). Cytogenetic location: 11p15.5.
Variant type: single nucleotide variant.
Coding change: c.1219T>C on transcript NM_001286581.2 (MANE Select); coding-DNA position 1219, T replaced by C.
Protein change: p.Cys407Arg; replaces cysteine 407 with arginine.
Molecular consequence: missense variant.
Genome position (GRCh38, 1-based): chr11:605,185, T>C. VCF-style: chr11-605185-T-C. GRCh37 (hg19) VCF-style: chr11-605185-T-C.
Other names: c.1216T>C, p.Cys406Arg (NM_001286582.2); c.1207T>C, p.Cys403Arg (NM_001286583.2); c.1219T>C, p.Cys407Arg (NM_020901.4); short protein forms C407R, C403R, C406R.
Identifiers: ClinVar variation 4998612 (VCV004998612.1).